The following is an entry in ClinVar:

ClinVar aggregate classification (germline): Uncertain significance (1 of 4 stars; one submission).

Conditions:
Hereditary cancer-predisposing syndrome. Also called: Neoplastic Syndromes, Hereditary; Tumor predisposition; Hereditary Cancer Syndrome; Hereditary neoplastic syndrome. Identifiers: Orphanet 140162, MedGen C0027672, MeSH D009386, MONDO:0015356.

Submission:

Ambry Genetics
Classification: Uncertain significance for Hereditary cancer-predisposing syndrome. Last evaluated: 2025-12-24. Review status: criteria provided, single submitter. Criteria: Ambry Variant Classification Scheme 2023. Collection method: clinical testing. Allele origin: germline.
Comment: The p.S1270R variant (also known as c.3808A>C), located in coding exon 26 of the SMARCA4 gene, results from an A to C substitution at nucleotide position 3808. The serine at codon 1270 is replaced by arginine, an amino acid with dissimilar properties. This amino acid position is conserved. In addition, the in silico prediction for this alteration is inconclusive. Based on the available evidence, the clinical significance of this variant remains unclear.

NM_003072.5(SMARCA4):c.3808A>C (p.Ser1270Arg)

Gene: SMARCA4 (SWI/SNF related BAF chromatin remodeling complex subunit ATPase 4; plus strand). Cytogenetic location: 19p13.2.
Variant type: single nucleotide variant.
Coding change: c.3808A>C on transcript NM_003072.5 (MANE Select); coding-DNA position 3808, A replaced by C.
Protein change: p.Ser1270Arg; replaces serine 1270 with arginine.
Molecular consequence: missense variant. On other transcripts: intron variant (6).
Genome position (GRCh38, 1-based): chr19:11,033,800, A>C. VCF-style: chr19-11033800-A-C. GRCh37 (hg19) VCF-style: chr19-11144476-A-C.
Other names: c.3808A>C, p.Ser1270Arg (NM_001128844.3, NM_001128849.3, NM_001387283.1); c.3774+283A>C (NM_001128847.4, NM_001411150.1, NM_001374457.1 and 3 more transcripts); short protein forms S1270R.
Identifiers: ClinVar variation 4843568 (VCV004843568.1).